The following is an entry in ClinVar:

NM_001330588.2(TPP2):c.1320_1321del (p.Gly441fs)

Gene: TPP2 (tripeptidyl peptidase 2; plus strand). Cytogenetic location: 13q33.1.
Variant type: Microsatellite.
Coding change: c.1320_1321del on transcript NM_001330588.2 (MANE Select); coding-DNA positions 1320 to 1321, 2 bases deleted (AG; older notation c.1320_1321delAG).
Protein change: p.Gly441fs; shifts the reading frame from glycine 441.
Molecular consequence: frameshift variant. On other transcripts: non-coding transcript variant (1).
Genome position (GRCh38, 1-based): chr13:102,634,025-102,634,026, AG deleted; deleting any 2 consecutive bases within chr13:102,634,022-102,634,026 gives the same sequence; the c. name uses the placement nearest the transcript's 3' end. VCF-style (leftmost placement, unchanged base first): chr13-102634021-TGA-T. GRCh37 (hg19) VCF-style: chr13-103286371-TGA-T.
Other names: c.1320_1321del, p.Gly441fs (NM_001367947.1, NM_003291.4); short protein forms G441fs.
Identifiers: ClinVar variation 2878736 (VCV002878736.3), dbSNP rs1882201496, ClinGen allele CA959646253.
Genomic context (GRCh38, chr13:102,634,021, plus strand): 5'-CCCTTGGTGTGAGTATCAGTGCGCCAGGAGGAGCCATTGCTTCTGTTCCTAACTGGACAC[TGA>T]GAGGGACGCAGCTGATGAATGGAACATCTATGTCTTCCCCCAATGCATGTGGAGGCATTG-3'

ClinVar aggregate classification (germline): Pathogenic (1 of 4 stars; one submission).

Conditions:
Evans syndrome, immunodeficiency, and premature immunosenescence associated with tripeptidyl-peptidase II deficiency. Identifiers: MedGen CN231723. Disease mechanism: loss of function.

Submission:

Labcorp Genetics (formerly Invitae), Labcorp
Classification: Pathogenic for Evans syndrome, immunodeficiency, and premature immunosenescence associated with tripeptidyl-peptidase II deficiency. Last evaluated: 2023-10-03. Review status: criteria provided, single submitter. Criteria: Invitae Variant Classification Sherloc (09022015). Collection method: clinical testing. Allele origin: germline.
Comment: This sequence change creates a premature translational stop signal (p.Gly441Aspfs*28) in the TPP2 gene. It is expected to result in an absent or disrupted protein product. Loss-of-function variants in TPP2 are known to be pathogenic (PMID: 25414442). This variant is not present in population databases (gnomAD no frequency). This variant has not been reported in the literature in individuals affected with TPP2-related conditions. For these reasons, this variant has been classified as Pathogenic.

Literature cited by the submitters: PubMed 25414442.